The following is an entry in ClinVar:

ClinVar aggregate classification (germline): Uncertain significance (1 of 4 stars; one submission).

Submission:

Women's Health and Genetics/Laboratory Corporation of America, LabCorp
Classification: Uncertain significance. Last evaluated: 2025-07-11. Review status: criteria provided, single submitter. Criteria: LabCorp Variant Classification Summary - May 2015. Collection method: clinical testing. Allele origin: germline.
Comment: Variant summary: GCDH c.880C>G (p.Arg294Gly) results in a non-conservative amino acid change in the encoded protein sequence. Algorithms developed to predict the effect of missense changes on protein structure and function all suggest that this variant is likely to be disruptive. The variant was absent in 250556 control chromosomes. To our knowledge, no occurrence of c.880C>G in individuals affected with Glutaric Acidemia Type 1 and no experimental evidence demonstrating its impact on protein function have been reported. A different variant affecting the same codon has been classified as likely pathogenic/pathogenic by our lab (c.880C>T, p.Arg294Trp), supporting the critical relevance of codon 294 to GCDH protein function. No submitters have cited clinical-significance assessments for this variant to ClinVar. Based on the evidence outlined above, the variant was classified as VUS-possibly pathogenic.

NM_000159.4(GCDH):c.880C>G (p.Arg294Gly)

Gene: GCDH (glutaryl-CoA dehydrogenase; plus strand). Cytogenetic location: 19p13.13.
Variant type: single nucleotide variant.
Coding change: c.880C>G on transcript NM_000159.4 (MANE Select); coding-DNA position 880, C replaced by G.
Protein change: p.Arg294Gly; replaces arginine 294 with glycine.
Molecular consequence: missense variant. On other transcripts: non-coding transcript variant (2).
Genome position (GRCh38, 1-based): chr19:12,896,937, C>G. VCF-style: chr19-12896937-C-G. GRCh37 (hg19) VCF-style: chr19-13007751-C-G.
Other names: c.880C>G, p.Arg294Gly (NM_013976.5); short protein forms R294G.
Identifiers: ClinVar variation 4525961 (VCV004525961.1).